The following is an entry in ClinVar:

NM_030632.3(ASXL3):c.6380T>C (p.Leu2127Pro)

Gene: ASXL3 (ASXL transcriptional regulator 3; plus strand). Cytogenetic location: 18q12.1.
Variant type: single nucleotide variant.
Coding change: c.6380T>C on transcript NM_030632.3 (MANE Select); coding-DNA position 6380, T replaced by C.
Protein change: p.Leu2127Pro; replaces leucine 2127 with proline.
Molecular consequence: missense variant.
Genome position (GRCh38, 1-based): chr18:33,746,228, T>C. VCF-style: chr18-33746228-T-C. GRCh37 (hg19) VCF-style: chr18-31326192-T-C.
Other names: short protein forms L2127P.
Identifiers: ClinVar variation 1303519 (VCV001303519.2), dbSNP rs2067789711, ClinGen allele CA402196743.

ClinVar aggregate classification (germline): Uncertain significance (1 of 4 stars; one submission).

Allele frequency attached by ClinVar (database versions not stated): TOPMed below 0.00001; gnomAD 0.00001; gnomAD exomes 0.00001.
gnomAD v4.1: 10 of 1,613,866 alleles (0.00062%); highest among the groups gnomAD compares: Non-Finnish European, 0.00085%; no homozygotes.

Submission:

GeneDx
Classification: Uncertain significance. Last evaluated: 2020-08-17. Review status: criteria provided, single submitter. Criteria: GeneDx Variant Classification Process June 2021. Collection method: clinical testing. Allele origin: germline. Affected: yes.
Comment: Not observed in large population cohorts (Lek et al., 2016); In silico analysis supports that this missense variant does not alter protein structure/function; This variant is associated with the following publications: (PMID: 32693025)